The following is an entry in ClinVar:

NC_000010.10:g.(?_104352329)_(104352491_?)del

Gene: SUFU (SUFU negative regulator of hedgehog signaling; plus strand). Cytogenetic location: 10q24.32.
Variant type: Deletion.
Identifiers: ClinVar variation 1074433 (VCV001074433.8).

ClinVar aggregate classification (germline): Pathogenic (1 of 4 stars; one submission).

Conditions:
Gorlin syndrome. Also called: Basal cell nevus syndrome; Nevoid Basal Cell Carcinoma Syndrome. Identifiers: Orphanet 377, MedGen C0004779, MONDO:0007187.
Medulloblastoma (MDB). Also called: Medulloblastoma, somatic; MEDULLOBLASTOMA PREDISPOSITION SYNDROME. Identifiers: Orphanet 616, MedGen C0025149, MeSH D008527, MONDO:0007959, OMIM 155255, HP:0002885.

Submission:

Labcorp Genetics (formerly Invitae), Labcorp
Classification: Pathogenic for Gorlin syndrome; Medulloblastoma. Last evaluated: 2020-08-10. Review status: criteria provided, single submitter. Criteria: Invitae Variant Classification Sherloc (09022015). Collection method: clinical testing. Allele origin: germline.
Comment: For these reasons, this variant has been classified as Pathogenic. Loss-of-function variants in SUFU are known to be pathogenic (PMID: 22508808, 25403219). Experimental studies and prediction algorithms are not available or were not evaluated, and the functional significance of this variant is currently unknown. This variant has not been reported in the literature in individuals with SUFU-related conditions. This variant is an out-of-frame deletion of the genomic region encompassing exon 4 of the SUFU gene. This is expected to create a premature translational stop signal and result in an absent or disrupted protein product.

Literature cited by the submitters: PubMed 22508808; PubMed 25403219.